The following is an entry in ClinVar:

ClinVar aggregate classification (germline): Uncertain significance (1 of 4 stars; one submission).

Conditions:
Primary ciliary dyskinesia. Also called: Ciliary dyskinesia. Identifiers: Orphanet 244, MedGen C0008780, MONDO:0016575, HP:0012265.

gnomAD v4.1: 6 of 1,613,754 alleles (0.00037%); highest among the groups gnomAD compares: Middle Eastern, 0.016%; no homozygotes.

Submission:

Labcorp Genetics (formerly Invitae), Labcorp
Classification: Uncertain significance for Primary ciliary dyskinesia. Last evaluated: 2025-01-27. Review status: criteria provided, single submitter. Criteria: Invitae Variant Classification Sherloc (09022015). Collection method: clinical testing. Allele origin: germline.
Comment: This sequence change replaces arginine, which is basic and polar, with glutamine, which is neutral and polar, at codon 2878 of the DNAH8 protein (p.Arg2878Gln). This variant is present in population databases (rs775011889, gnomAD 0.003%). This variant has not been reported in the literature in individuals affected with DNAH8-related conditions. Invitae Evidence Modeling of protein sequence and biophysical properties (such as structural, functional, and spatial information, amino acid conservation, physicochemical variation, residue mobility, and thermodynamic stability) indicates that this missense variant is expected to disrupt DNAH8 protein function with a positive predictive value of 80%. In summary, the available evidence is currently insufficient to determine the role of this variant in disease. Therefore, it has been classified as a Variant of Uncertain Significance.

NM_001206927.2(DNAH8):c.8633G>A (p.Arg2878Gln)

Gene: DNAH8 (dynein axonemal heavy chain 8; plus strand). Cytogenetic location: 6p21.2.
Variant type: single nucleotide variant.
Coding change: c.8633G>A on transcript NM_001206927.2 (MANE Select); coding-DNA position 8633, G replaced by A.
Protein change: p.Arg2878Gln; replaces arginine 2878 with glutamine.
Molecular consequence: missense variant.
Genome position (GRCh38, 1-based): chr6:38,894,750, G>A. VCF-style: chr6-38894750-G-A. GRCh37 (hg19) VCF-style: chr6-38862526-G-A.
Other names: c.7982G>A, p.Arg2661Gln (NM_001371.4); short protein forms R2878Q, R2661Q.
Identifiers: ClinVar variation 3663141 (VCV003663141.2).